The following is an entry in ClinVar:

ClinVar aggregate classification (germline): Likely benign. Review status: criteria provided, single submitter (1 of 4 stars). 3 submissions from 3 submitters: Likely benign (1). 2 of the submissions do not count toward it. Last evaluated 2023-10-29.

Conditions:
NR2E3-related disorder. Also called: NR2E3-related condition; NR2E3-related disorders. Identifiers: MedGen CN239387.
Enhanced S-cone syndrome (ESCS). Identifiers: Orphanet 53540, MedGen C1849394, MONDO:0100288, MONDO:0009989.

Allele frequency attached by ClinVar (database versions not stated): ExAC below 0.00001; gnomAD exomes 0.00004; gnomAD 0.00006; TOPMed 0.00010.
gnomAD v4.1: 47 of 1,550,692 alleles (0.003%); highest among the groups gnomAD compares: Non-Finnish European, 0.0037%; no homozygotes.

Submissions (3):

Labcorp Genetics (formerly Invitae), Labcorp
Classification: Likely benign. Last evaluated: 2023-10-29. Review status: criteria provided, single submitter. Criteria: Invitae Variant Classification Sherloc (09022015). Collection method: clinical testing. Allele origin: germline.

PreventionGenetics, part of Exact Sciences
Classification: Likely benign for NR2E3-related condition. Last evaluated: 2020-12-01. Review status: no assertion criteria provided. Collection method: clinical testing. Allele origin: germline. Not counted in ClinVar's aggregate classification.
Comment: This variant is classified as likely benign based on ACMG/AMP sequence variant interpretation guidelines (Richards et al. 2015 PMID: 25741868, with internal and published modifications).

Natera, Inc.
Classification: Uncertain significance for Enhanced S cone syndrome. Last evaluated: 2020-01-24. Review status: no assertion criteria provided. Collection method: clinical testing. Allele origin: germline. Not counted in ClinVar's aggregate classification.

NM_014249.4(NR2E3):c.360C>T (p.Asn120=)

Gene: NR2E3 (nuclear receptor subfamily 2 group E member 3; plus strand). Cytogenetic location: 15q23.
Variant type: single nucleotide variant.
Coding change: c.360C>T on transcript NM_014249.4 (MANE Select); coding-DNA position 360, C replaced by T.
Protein change: p.Asn120=; no amino-acid change (asparagine 120 retained).
Molecular consequence: synonymous variant.
Genome position (GRCh38, 1-based): chr15:71,811,965, C>T. VCF-style: chr15-71811965-C-T. GRCh37 (hg19) VCF-style: chr15-72104305-C-T.
Other names: c.360C>T, p.Asn120= (NM_016346.4).
Identifiers: ClinVar variation 792736 (VCV000792736.13), dbSNP rs759418091, ClinGen allele CA7640302.